The following is an entry in ClinVar:

NM_001365951.3(KIF1B):c.1681G>C (p.Ala561Pro)

Gene: KIF1B (kinesin family member 1B; plus strand). Cytogenetic location: 1p36.22.
Variant type: single nucleotide variant.
Coding change: c.1681G>C on transcript NM_001365951.3 (MANE Select); coding-DNA position 1681, G replaced by C.
Protein change: p.Ala561Pro; replaces alanine 561 with proline.
Molecular consequence: missense variant.
Genome position (GRCh38, 1-based): chr1:10,295,670, G>C. VCF-style: chr1-10295670-G-C. GRCh37 (hg19) VCF-style: chr1-10355728-G-C.
Other names: c.1681G>C, p.Ala561Pro (NM_001365952.1); c.1543G>C, p.Ala515Pro (NM_001365953.1, NM_015074.3, NM_183416.4); short protein forms A515P, A561P.
Identifiers: ClinVar variation 2624436 (VCV002624436.2), dbSNP rs141678186, ClinGen allele CA581053.

ClinVar aggregate classification (germline): Uncertain significance (1 of 4 stars; one submission).

Allele frequency attached by ClinVar (database versions not stated): ExAC 0.00001; gnomAD 0.00001; 1000 Genomes Project 30x 0.00016; 1000 Genomes Project 0.00020.
gnomAD v4.1: 1 of 1,613,744 alleles (0.000062%); highest among the groups gnomAD compares: Non-Finnish European, 0.000085%; no homozygotes.

Submission:

Ambry Genetics
Classification: Uncertain significance. Last evaluated: 2023-06-29. Review status: criteria provided, single submitter. Criteria: Ambry Variant Classification Scheme 2023. Collection method: clinical testing. Allele origin: germline.
Comment: The p.A515P variant (also known as c.1543G>C), located in coding exon 16 of the KIF1B gene, results from a G to C substitution at nucleotide position 1543. The alanine at codon 515 is replaced by proline, an amino acid with highly similar properties. This amino acid position is well conserved in available vertebrate species. In addition, the in silico prediction for this alteration is inconclusive. The evidence for this gene-disease relationship is limited; therefore, the clinical significance of this alteration is unclear.